The following is an entry in ClinVar:

NM_001128228.3(TPRN):c.107del (p.Gly36fs)

Genes: TPRN (taperin; minus strand), LOC130003093 (ATAC-STARR-seq lymphoblastoid silent region 20590; plus strand). Cytogenetic location: 9q34.3.
Variant type: Deletion.
Coding change: c.107del on transcript NM_001128228.3 (MANE Select); coding-DNA position 107, one base deleted (G; older notation c.107delG).
Protein change: p.Gly36fs; shifts the reading frame from glycine 36.
Molecular consequence: frameshift variant.
Genome position (GRCh38, 1-based): chr9:137,200,605, C deleted on the plus strand (G on the coding strand, the reverse complement: TPRN is on the minus strand); the first of 5 consecutive C bases (chr9:137,200,605-137,200,609); deleting any one gives the same sequence. VCF-style (leftmost placement, unchanged base first): chr9-137200604-GC-G. GRCh37 (hg19) VCF-style: chr9-140095056-GC-G.
Other names: p.(Gly36AlafsTer414); c.107delG (NM_001128228.2); short protein forms G36fs.
Identifiers: ClinVar variation 1309188 (VCV001309188.7), dbSNP rs1011757302, ClinGen allele CA201721474.

ClinVar aggregate classification (germline): Pathogenic/Likely pathogenic. Review status: criteria provided, multiple submitters, no conflicts (2 of 4 stars). 3 submissions from 3 submitters: Pathogenic (1); Likely pathogenic (2). Last evaluated 2025-03-24.

Conditions:
TPRN-related disorder. Also called: TPRN-related condition.
Rare genetic deafness. Identifiers: Orphanet 96210, MedGen C5680250.

Submissions (3):

PreventionGenetics, part of Exact Sciences
Classification: Likely pathogenic for TPRN-related condition. Last evaluated: 2025-03-24. Review status: criteria provided, single submitter. Criteria: ACMG Guidelines, 2015. Collection method: clinical testing. Allele origin: germline.
Comment: The TPRN c.107delG variant is predicted to result in a frameshift and premature protein termination (p.Gly36Alafs*414). This variant has been reported in the homozygous state in at least one individual in a family with hearing impairment (HI), but was not found to segregate with disease in this family (Wonkam et al. 2022. PubMed ID: 35440622). We have detected this variant in the homozygous state in two siblings with HI (Internal Data, PreventionGenetics). This variant is reported in 0.036% of alleles in individuals of African descent in gnomAD. Frameshift variants in TPRN are expected to be pathogenic. This variant is interpreted as likely pathogenic.

GeneDx
Classification: Pathogenic. Last evaluated: 2024-11-26. Review status: criteria provided, single submitter. Criteria: GeneDx Variant Classification Process June 2021. Collection method: clinical testing. Allele origin: germline. Affected: yes.
Comment: Frameshift variant predicted to result in protein truncation or nonsense mediated decay in a gene for which loss of function is a known mechanism of disease; Has not been previously published as pathogenic or benign to our knowledge

Laboratory for Molecular Medicine, Mass General Brigham Personalized Medicine
Classification: Likely pathogenic for Rare genetic deafness. Last evaluated: 2022-08-26. Review status: criteria provided, single submitter. Criteria: ACMG Guidelines, 2015. Collection method: clinical testing. Allele origin: germline.
Comment: The p.Gly36AlafsX414 variant in TPRN has not beed reported in individuals with disease and was absent from large population studies but it has been reported in ClinVar (Variation ID 1309188). This variant is predicted to cause a frameshift, which alters the protein’s amino acid sequence beginning at position 36 and leads to a premature termination codon 414 amino acids downstream. This alteration is then predicted to lead to a truncated or absent protein. Loss of function of the TPRN gene is an established disease mechanism in autosomal recessive hearing loss. In summary, although additional studies are required to fully establish its clinical significance, this variant meets criteria to be classified as likely pathogenic for autosomal recessive hearing loss. ACMG/AMP Criteria applied: PVS1, PM2_Supporting.